The following is an entry in ClinVar:

NM_001498.4(GCLC):c.671A>G (p.Asp224Gly)

Gene: GCLC (glutamate-cysteine ligase catalytic subunit; minus strand). Cytogenetic location: 6p12.1.
Variant type: single nucleotide variant.
Coding change: c.671A>G on transcript NM_001498.4 (MANE Select); coding-DNA position 671, A replaced by G.
Protein change: p.Asp224Gly; replaces aspartic acid 224 with glycine.
Molecular consequence: missense variant.
Genome position (GRCh38, 1-based): chr6:53,514,286, T>C on the plus strand (A>G on the coding strand, the complement: GCLC is on the minus strand). VCF-style: chr6-53514286-T-C. GRCh37 (hg19) VCF-style: chr6-53379084-T-C.
Other names: p.Asp224Gly; c.557A>G, p.Asp186Gly (NM_001197115.2); short protein forms D186G, D224G.
Identifiers: ClinVar variation 4541171 (VCV004541171.1).

ClinVar aggregate classification (germline): Uncertain significance (1 of 4 stars; one submission).

gnomAD v4.1: 19 of 1,604,298 alleles (0.0012%); highest among the groups gnomAD compares: Non-Finnish European, 0.0016%; no homozygotes.

Submission:

Mayo Clinic Laboratories, Mayo Clinic
Classification: Uncertain significance. Last evaluated: 2025-06-10. Review status: criteria provided, single submitter. Criteria: ACMG Guidelines, 2015. Collection method: clinical testing. Allele origin: germline. Observed: 1 variant allele.
Comment: BP4, PM2_supporting